The following is an entry in ClinVar:

ClinVar aggregate classification (germline): Uncertain significance (1 of 4 stars; one submission).

Conditions:
Myopathy, proximal, and ophthalmoplegia (CMYO6). Also called: CONGENITAL MYOPATHY 6 WITH OPHTHALMOPLEGIA; MYOPATHY WITH CONGENITAL JOINT CONTRACTURES, OPHTHALMOPLEGIA, AND RIMMED VACUOLES; INCLUSION BODY MYOPATHY 3, AUTOSOMAL DOMINANT. Identifiers: Orphanet 363677, Orphanet 79091, MedGen C1854106, MONDO:0011577, OMIM 605637.

Allele frequency attached by ClinVar (database versions not stated): gnomAD 0.00001; gnomAD exomes 0.00001; ExAC 0.00002.
gnomAD v4.1: 18 of 1,613,844 alleles (0.0011%); highest among the groups gnomAD compares: Non-Finnish European, 0.0014%; no homozygotes.

Submission:

Labcorp Genetics (formerly Invitae), Labcorp
Classification: Uncertain significance for Myopathy, proximal, and ophthalmoplegia. Last evaluated: 2023-04-06. Review status: criteria provided, single submitter. Criteria: Invitae Variant Classification Sherloc (09022015). Collection method: clinical testing. Allele origin: germline.
Comment: This sequence change replaces isoleucine, which is neutral and non-polar, with methionine, which is neutral and non-polar, at codon 158 of the MYH2 protein (p.Ile158Met). This variant is present in population databases (rs780719632, gnomAD 0.004%). This variant has not been reported in the literature in individuals affected with MYH2-related conditions. ClinVar contains an entry for this variant (Variation ID: 1492766). Advanced modeling of protein sequence and biophysical properties (such as structural, functional, and spatial information, amino acid conservation, physicochemical variation, residue mobility, and thermodynamic stability) performed at Invitae indicates that this missense variant is expected to disrupt MYH2 protein function. In summary, the available evidence is currently insufficient to determine the role of this variant in disease. Therefore, it has been classified as a Variant of Uncertain Significance.

NM_017534.6(MYH2):c.474C>G (p.Ile158Met)

Genes: MYH2 (myosin heavy chain 2; minus strand), MYHAS (myosin heavy chain gene cluster antisense RNA; plus strand). Cytogenetic location: 17p13.1.
Variant type: single nucleotide variant.
Coding change: c.474C>G on transcript NM_017534.6 (MANE Select); coding-DNA position 474, C replaced by G.
Protein change: p.Ile158Met; replaces isoleucine 158 with methionine.
Molecular consequence: missense variant.
Genome position (GRCh38, 1-based): chr17:10,545,377, G>C on the plus strand (C>G on the coding strand, the complement: MYH2 is on the minus strand). VCF-style: chr17-10545377-G-C. GRCh37 (hg19) VCF-style: chr17-10448694-G-C.
Other names: c.474C>G, p.Ile158Met (NM_001100112.2); short protein forms I158M.
Identifiers: ClinVar variation 1492766 (VCV001492766.8), dbSNP rs780719632, ClinGen allele CA8391633.